The following is an entry in ClinVar:

ClinVar aggregate classification (germline): Uncertain significance (1 of 4 stars; one submission).

Conditions:
Nemaline myopathy 2 (NEM2). Also called: Nemaline myopathy 2, autosomal recessive. Identifiers: MedGen C1850569, MONDO:0009725, OMIM 256030.

Allele frequency attached by ClinVar (database versions not stated): ExAC 0.00001; gnomAD exomes 0.00001; TOPMed 0.00002; gnomAD 0.00003; ESP Exome Variant Server 0.00008.
gnomAD v4.1: 23 of 1,612,610 alleles (0.0014%); highest among the groups gnomAD compares: African/African-American, 0.004%; no homozygotes.

Submission:

Labcorp Genetics (formerly Invitae), Labcorp
Classification: Uncertain significance for Nemaline myopathy 2. Last evaluated: 2021-08-26. Review status: criteria provided, single submitter. Criteria: Invitae Variant Classification Sherloc (09022015). Collection method: clinical testing. Allele origin: germline.
Comment: This sequence change replaces glutamic acid with aspartic acid at codon 7969 of the NEB protein (p.Glu7969Asp). The glutamic acid residue is moderately conserved and there is a small physicochemical difference between glutamic acid and aspartic acid. This variant is present in population databases (rs367633538, ExAC 0.002%). This variant has not been reported in the literature in individuals affected with NEB-related conditions. Algorithms developed to predict the effect of missense changes on protein structure and function are either unavailable or do not agree on the potential impact of this missense change (SIFT: "Deleterious"; PolyPhen-2: "Not Available"; Align-GVGD: "Class C0"). In summary, the available evidence is currently insufficient to determine the role of this variant in disease. Therefore, it has been classified as a Variant of Uncertain Significance.

NM_001164508.2(NEB):c.23802G>C (p.Glu7934Asp)

Genes: NEB (nebulin; minus strand), RIF1 (replication timing regulatory factor 1; plus strand). Cytogenetic location: 2q23.3.
Variant type: single nucleotide variant.
Coding change: c.23802G>C on transcript NM_001164508.2 (MANE Select); coding-DNA position 23802, G replaced by C.
Protein change: p.Glu7934Asp; replaces glutamic acid 7934 with aspartic acid.
Molecular consequence: missense variant.
Genome position (GRCh38, 1-based): chr2:151,503,382, C>G on the plus strand (G>C on the coding strand, the complement: NEB is on the minus strand). VCF-style: chr2-151503382-C-G. GRCh37 (hg19) VCF-style: chr2-152359896-C-G.
Other names: c.23802G>C, p.Glu7934Asp (NM_001164507.2); c.23907G>C, p.Glu7969Asp (NM_001271208.2); c.18699G>C, p.Glu6233Asp (NM_004543.5); short protein forms E7969D, E6233D, E7934D.
Identifiers: ClinVar variation 1973641 (VCV001973641.2), dbSNP rs367633538, ClinGen allele CA1906242.
Genomic context (GRCh38, chr2:151,503,382, plus strand): 5'-TTTCTTATATGATATATTTGTAAATACCGAGCTAAAGTTCTCTTGATTGCGTTTGACTCT[C>G]TCAATCTCTGGAGTCACAGTGGTTGGAATGCCTGTTCCCAAGTTTTCTTTGTACATAACC-3'
Protein context (NP_001157980.2, residues 7924-7944): GIPTTVTPEI[Glu7934Asp]RVKRNQENFS